The following is an entry in ClinVar:

NM_000051.4(ATM):c.*2580T>G

Genes: ATM (ATM serine/threonine kinase; plus strand), C11orf65 (chromosome 11 open reading frame 65; minus strand). Cytogenetic location: 11q22.3.
Variant type: single nucleotide variant.
Coding change: c.*2580T>G on transcript NM_000051.4 (MANE Select); 2580 bases downstream of the stop codon, T replaced by G.
Molecular consequence: 3 prime UTR variant. On other transcripts: intron variant (2).
Genome position (GRCh38, 1-based): chr11:108,368,088, T>G. VCF-style: chr11-108368088-T-G. GRCh37 (hg19) VCF-style: chr11-108238815-T-G.
Other names: c.*2580T>G (NM_001351834.2); c.640+17832A>C (NM_001330368.2); c.694+17832A>C (NM_001351110.2).
Identifiers: ClinVar variation 4851848 (VCV004851848.1).

ClinVar aggregate classification (germline): Likely benign (1 of 4 stars; one submission).

Conditions:
ATM-related cancer predisposition. Also called: ATM-related cancer susceptibility. Identifiers: MedGen CN377759, MONDO:0700270.

Submission:

Dasa
Classification: Likely benign for ATM-related cancer predisposition. Last evaluated: 2025-11-09. Review status: criteria provided, single submitter. Criteria: DASA Assertion Criteria. Collection method: clinical testing. Allele origin: germline.
Comment: NM_000051.4(ATM):c.*2580T>G is a sequence variant. Multiple computational predictions suggest no deleterious effect on the gene or gene product. The variant is present at low frequency in population datasets. Based on the available data, this variant is classified as likely benign.